The following is an entry in ClinVar:

ClinVar aggregate classification (germline): Uncertain significance (1 of 4 stars; one submission).

Conditions:
Peroxisome biogenesis disorder 7A (Zellweger). Also called: Peroxisome biogenesis disorder 7A. Identifiers: Orphanet 912, MedGen C3888385, MONDO:0013938, OMIM 614872.
Peroxisome biogenesis disorder 7B (PBD7B). Identifiers: Orphanet 44, MedGen C3553951, MONDO:0013939, OMIM 614873.

Allele frequency attached by ClinVar (database versions not stated): gnomAD 0.00001.

Submission:

Labcorp Genetics (formerly Invitae), Labcorp
Classification: Uncertain significance for Peroxisome biogenesis disorder 7A (Zellweger); Peroxisome biogenesis disorder 7B. Last evaluated: 2021-06-24. Review status: criteria provided, single submitter. Criteria: Invitae Variant Classification Sherloc (09022015). Collection method: clinical testing. Allele origin: germline.
Comment: In summary, the available evidence is currently insufficient to determine the role of this variant in disease. Therefore, it has been classified as a Variant of Uncertain Significance. Algorithms developed to predict the effect of sequence changes on RNA splicing suggest that this variant may create or strengthen a splice site, but this prediction has not been confirmed by published transcriptional studies. Algorithms developed to predict the effect of missense changes on protein structure and function are either unavailable or do not agree on the potential impact of this missense change (SIFT: "Deleterious"; PolyPhen-2: "Probably Damaging"; Align-GVGD: "Class C0"). This variant has not been reported in the literature in individuals with PEX26-related conditions. This variant is not present in population databases (ExAC no frequency). This sequence change replaces proline with glutamine at codon 29 of the PEX26 protein (p.Pro29Gln). The proline residue is moderately conserved and there is a moderate physicochemical difference between proline and glutamine.

NM_001127649.3(PEX26):c.86C>A (p.Pro29Gln)

Gene: PEX26 (peroxisomal biogenesis factor 26; plus strand). Cytogenetic location: 22q11.21.
Variant type: single nucleotide variant.
Coding change: c.86C>A on transcript NM_001127649.3 (MANE Select); coding-DNA position 86, C replaced by A.
Protein change: p.Pro29Gln; replaces proline 29 with glutamine.
Molecular consequence: missense variant.
Genome position (GRCh38, 1-based): chr22:18,078,462, C>A. VCF-style: chr22-18078462-C-A. GRCh37 (hg19) VCF-style: chr22-18561228-C-A.
Other names: c.86C>A, p.Pro29Gln (NM_001199319.2, NM_017929.6); short protein forms P29Q.
Identifiers: ClinVar variation 1363781 (VCV001363781.8), dbSNP rs1926394690, ClinGen allele CA410264441.